The following is an entry in ClinVar:

NM_203395.3(IYD):c.347T>C (p.Ile116Thr)

Gene: IYD (iodotyrosine deiodinase; plus strand). Cytogenetic location: 6q25.1.
Variant type: single nucleotide variant.
Coding change: c.347T>C on transcript NM_203395.3 (MANE Select); coding-DNA position 347, T replaced by C.
Protein change: p.Ile116Thr; replaces isoleucine 116 with threonine.
Molecular consequence: missense variant. On other transcripts: non-coding transcript variant (1), intron variant (1).
Genome position (GRCh38, 1-based): chr6:150,389,520, T>C. VCF-style: chr6-150389520-T-C. GRCh37 (hg19) VCF-style: chr6-150710656-T-C.
Other names: c.347T>C, p.Ile116Thr (NM_001164694.2, NM_001164695.2); c.124+45T>C (NM_001318495.2); short protein forms I116T.
Identifiers: ClinVar variation 739 (VCV000000739.3), dbSNP rs121918139, ClinGen allele CA114466.
Genomic context (GRCh38, chr6:150,389,520, plus strand): 5'-TTCTCAATAAGAGACGGTCAGTCAGGTTCATAAGTAATGAGCAAGTCCCAATGGAAGTCA[T>C]TGATAATGTCATCAGAACGGCAGGTTTGTAATTGCAGATGGGGTCTTTGGAAATGTTAGT-3'
Protein context (NP_981932.1, residues 106-126): ISNEQVPMEV[Ile116Thr]DNVIRTAGTA

ClinVar aggregate classification (germline): Likely pathogenic. Review status: criteria provided, multiple submitters, no conflicts (2 of 4 stars). 3 submissions from 3 submitters: Likely pathogenic (2). 1 of the submissions does not count toward it. Last evaluated 2024-04-09.

Conditions:
Iodotyrosine deiodination defect (TDH4). Also called: Thyroid dyshormonogenesis 4; THYROID HORMONOGENESIS, GENETIC DEFECT IN, 4; DEIODINASE DEFICIENCY; HYPOTHYROIDISM, CONGENITAL, DUE TO DYSHORMONOGENESIS, 4; IODOTYROSINE DEHALOGENASE DEFICIENCY. Identifiers: Orphanet 95716, MedGen C0342195, MONDO:0010136, OMIM 274800.

Allele frequency attached by ClinVar (database versions not stated): ExAC 0.00001; gnomAD exomes 0.00001.
gnomAD v4.1: 4 of 1,614,086 alleles (0.00025%); highest among the groups gnomAD compares: Non-Finnish European, 0.00034%; no homozygotes.

Submissions (3):

Fulgent Genetics
Classification: Likely pathogenic for Iodotyrosine deiodination defect. Last evaluated: 2024-04-09. Review status: criteria provided, single submitter. Criteria: ACMG Guidelines, 2015. Collection method: clinical testing. Allele origin: germline.

Women's Health and Genetics/Laboratory Corporation of America, LabCorp
Classification: Likely pathogenic for Iodotyrosine deiodination defect. Last evaluated: 2024-04-05. Review status: criteria provided, single submitter. Criteria: LabCorp Variant Classification Summary - May 2015. Collection method: clinical testing. Allele origin: germline.
Comment: Variant summary: IYD c.347T>C (p.Ile116Thr) results in a non-conservative amino acid change located in the Nitroreductase domain (IPR029479) of the encoded protein sequence. Five of five in-silico tools predict a damaging effect of the variant on protein function. The variant allele was found at a frequency of 8e-06 in 251418 control chromosomes. c.347T>C has been reported in the literature in at least one homozygous individual with clinical features consistent with Iodotyrosine deiodination defect (ie.g. Moreno_2008). These data indicate that the variant may be associated with disease. At least one publication reports experimental evidence evaluating an impact on protein function showing severely reduced deiodination ability in an in vitro iodotyrosine deiodination assay (e.g. Moreno_2008). The following publication has been ascertained in the context of this evaluation (PMID: 18434651). ClinVar contains an entry for this variant (Variation ID: 739). Based on the evidence outlined above, the variant was classified as likely pathogenic.

OMIM
Classification: Pathogenic for THYROID DYSHORMONOGENESIS 4. Last evaluated: 2008-04-24. Review status: no assertion criteria provided. Collection method: literature only. Allele origin: germline. Not counted in ClinVar's aggregate classification.

Literature cited by the submitters: PubMed 18434651 (cited by Women's Health and Genetics/Laboratory Corporation of America, LabCorp and OMIM).